The following is an entry in ClinVar:

ClinVar aggregate classification (germline): Uncertain significance (1 of 4 stars; one submission).

gnomAD v4.1: 2 of 1,612,588 alleles (0.00012%); highest among the groups gnomAD compares: Admixed American, 0.0033%; no homozygotes.

Submission:

Women's Health and Genetics/Laboratory Corporation of America, LabCorp
Classification: Uncertain significance. Last evaluated: 2025-03-19. Review status: criteria provided, single submitter. Criteria: LabCorp Variant Classification Summary - May 2015. Collection method: clinical testing. Allele origin: germline.
Comment: Variant summary: ZNF292 c.3131C>T (p.Pro1044Leu) results in a non-conservative amino acid change in the encoded protein sequence. Three of five in-silico tools predict a benign effect of the variant on protein function. The variant allele was found at a frequency of 8.1e-06 in 247332 control chromosomes. The available data on variant occurrences in the general population are insufficient to allow any conclusion about variant significance. To our knowledge, no occurrence of c.3131C>T in individuals affected with Autosomal Dominant Intellectual Developmental Disorder 64 and no experimental evidence demonstrating its impact on protein function have been reported. No submitters have cited clinical-significance assessments for this variant to ClinVar. Based on the evidence outlined above, the variant was classified as uncertain significance.

NM_015021.3(ZNF292):c.3131C>T (p.Pro1044Leu)

Gene: ZNF292 (zinc finger protein 292; plus strand). Cytogenetic location: 6q14.3.
Variant type: single nucleotide variant.
Coding change: c.3131C>T on transcript NM_015021.3 (MANE Select); coding-DNA position 3131, C replaced by T.
Protein change: p.Pro1044Leu; replaces proline 1044 with leucine.
Molecular consequence: missense variant.
Genome position (GRCh38, 1-based): chr6:87,256,760, C>T. VCF-style: chr6-87256760-C-T. GRCh37 (hg19) VCF-style: chr6-87966478-C-T.
Other names: c.2711C>T, p.Pro904Leu (NM_001351444.2); short protein forms P1044L, P904L.
Identifiers: ClinVar variation 3896104 (VCV003896104.1).